The following is an entry in ClinVar:

NM_139321.3(ATRN):c.137G>A (p.Gly46Glu)

Genes: ATRN (attractin; plus strand), LOC130065331 (ATAC-STARR-seq lymphoblastoid silent region 12621; plus strand). Cytogenetic location: 20p13.
Variant type: single nucleotide variant.
Coding change: c.137G>A on transcript NM_139321.3 (MANE Select); coding-DNA position 137, G replaced by A.
Protein change: p.Gly46Glu; replaces glycine 46 with glutamic acid.
Molecular consequence: missense variant. On other transcripts: intron variant (1).
Genome position (GRCh38, 1-based): chr20:3,471,244, G>A. VCF-style: chr20-3471244-G-A. GRCh37 (hg19) VCF-style: chr20-3451891-G-A.
Other names: c.137G>A (NM_139321.2); c.137G>A, p.Gly46Glu (NM_001323332.2, NM_139322.4); c.62+110G>A (NM_001207047.3); short protein forms G46E.
Identifiers: ClinVar variation 1936191 (VCV001936191.7), dbSNP rs990180230, ClinGen allele CA310637981.

ClinVar aggregate classification (germline): Uncertain significance. Review status: criteria provided, multiple submitters, no conflicts (2 of 4 stars). 2 submissions from 2 submitters: Uncertain significance (2). Last evaluated 2023-01-23.

Allele frequency attached by ClinVar (database versions not stated): gnomAD exomes below 0.00001; TOPMed 0.00011; gnomAD 0.00014.
gnomAD v4.1: 24 of 1,445,860 alleles (0.0017%); highest among the groups gnomAD compares: African/African-American, 0.034%; no homozygotes.

Submissions (2):

Ambry Genetics
Classification: Uncertain significance. Last evaluated: 2023-01-23. Review status: criteria provided, single submitter. Criteria: Ambry Variant Classification Scheme 2023. Collection method: clinical testing. Allele origin: germline.

Labcorp Genetics (formerly Invitae), Labcorp
Classification: Uncertain significance. Last evaluated: 2022-04-30. Review status: criteria provided, single submitter. Criteria: Invitae Variant Classification Sherloc (09022015). Collection method: clinical testing. Allele origin: germline.
Comment: In summary, the available evidence is currently insufficient to determine the role of this variant in disease. Therefore, it has been classified as a Variant of Uncertain Significance. Algorithms developed to predict the effect of missense changes on protein structure and function are either unavailable or do not agree on the potential impact of this missense change (SIFT: "Tolerated"; PolyPhen-2: "Not Available"; Align-GVGD: "Class C0"). This variant has not been reported in the literature in individuals affected with ATRN-related conditions. The frequency data for this variant in the population databases is considered unreliable, as metrics indicate poor data quality at this position in the gnomAD database. This sequence change replaces glycine, which is neutral and non-polar, with glutamic acid, which is acidic and polar, at codon 46 of the ATRN protein (p.Gly46Glu).